The following is an entry in ClinVar:

ClinVar aggregate classification (germline): Pathogenic. Review status: criteria provided, multiple submitters, no conflicts (2 of 4 stars). 3 submissions from 3 submitters: Pathogenic (3). Last evaluated 2021-07-15.

Conditions:
Coffin-Siris syndrome 1 (CSS1). Also called: Mental retardation, autosomal dominant 12; ARID1B-Related Coffin-Siris Syndrome. Identifiers: Orphanet 1465, MedGen C3281201, MONDO:0007617, OMIM 135900. Disease mechanism: gain of function.

Submissions (3):

Genome-Nilou Lab
Classification: Pathogenic for Coffin-Siris syndrome 1. Last evaluated: 2021-07-15. Review status: criteria provided, single submitter. Criteria: ACMG Guidelines, 2015. Collection method: clinical testing. Allele origin: germline. Affected: no.

CeGaT Center for Human Genetics Tuebingen
Classification: Pathogenic. Last evaluated: 2019-03-01. Review status: criteria provided, single submitter. Criteria: CeGaT Center For Human Genetics Tuebingen Variant Classification Criteria Version 2. Collection method: clinical testing. Allele origin: germline. Affected: yes. Observed: 1 variant allele.

GeneDx
Classification: Pathogenic. Last evaluated: 2016-07-11. Review status: criteria provided, single submitter. Criteria: GeneDx Variant Classification (06012015). Collection method: clinical testing. Allele origin: germline. Affected: yes.
Comment: The Q1780X pathogenic variant in the ARID1B gene has not been reported previously as a pathogenic variant nor as a benign variant, to our knowledge. This variant is predicted to cause loss of normal protein function through protein truncation. The Q1780X variant was not observed in approximately 6,500 individuals of European and African American ancestry in the NHLBI Exome Sequencing Project, indicating it is not a common benign variant in these populations. We interpret Q1780X as a pathogenic variant.

NM_001374828.1(ARID1B):c.5707C>T (p.Gln1903Ter)

Gene: ARID1B (AT-rich interaction domain 1B; plus strand). Cytogenetic location: 6q25.3.
Variant type: single nucleotide variant.
Coding change: c.5707C>T on transcript NM_001374828.1 (MANE Select); coding-DNA position 5707, C replaced by T.
Protein change: p.Gln1903Ter; replaces glutamine 1903 with a stop codon.
Molecular consequence: nonsense.
Genome position (GRCh38, 1-based): chr6:157,206,479, C>T. VCF-style: chr6-157206479-C-T. GRCh37 (hg19) VCF-style: chr6-157527613-C-T.
Other names: c.3208C>T, p.Gln1070Ter (NM_001363725.2); c.5587C>T, p.Gln1863Ter (NM_001371656.1, NM_001374820.1); c.5548C>T, p.Gln1850Ter (NM_017519.3); c.5338C>T, p.Gln1780Ter (NM_020732.3); short protein forms Q1780*, Q1070*, Q1850*, Q1863*, Q1903*.
Identifiers: ClinVar variation 280708 (VCV000280708.46), dbSNP rs750447037, ClinGen allele CA10602933.